The following is an entry in ClinVar:

NM_005807.6(PRG4):c.1272C>T (p.Thr424=)

Gene: PRG4 (proteoglycan 4; plus strand). Cytogenetic location: 1q31.1.
Variant type: single nucleotide variant.
Coding change: c.1272C>T on transcript NM_005807.6 (MANE Select); coding-DNA position 1272, C replaced by T.
Protein change: p.Thr424=; no amino-acid change (threonine 424 retained).
Molecular consequence: synonymous variant.
Genome position (GRCh38, 1-based): chr1:186,306,991, C>T. VCF-style: chr1-186306991-C-T. GRCh37 (hg19) VCF-style: chr1-186276123-C-T.
Other names: c.1149C>T, p.Thr383= (NM_001127708.3); c.993C>T, p.Thr331= (NM_001127709.3); c.870C>T, p.Thr290= (NM_001127710.3); c.1143C>T, p.Thr381= (NM_001303232.2).
Identifiers: ClinVar variation 2639654 (VCV002639654.24), dbSNP rs532352521, ClinGen allele CA1296059.

ClinVar aggregate classification (germline): Likely benign (1 of 4 stars; one submission).

Allele frequency attached by ClinVar (database versions not stated): 1000 Genomes Project 0.00140.

Submission:

CeGaT Center for Human Genetics Tuebingen
Classification: Likely benign. Last evaluated: 2026-04-01. Review status: criteria provided, single submitter. Criteria: CeGaT Center For Human Genetics Tuebingen Variant Classification Criteria Version 2. Collection method: clinical testing. Allele origin: germline. Affected: yes. Observed: 2 variant alleles.
Comment: PRG4: BP4, BP7